The following is an entry in ClinVar:

ClinVar aggregate classification (germline): Benign/Likely benign. Review status: criteria provided, multiple submitters, no conflicts (2 of 4 stars). 4 submissions from 4 submitters: Benign (1); Likely benign (3). Last evaluated 2026-01-28.

Conditions:
Arrhythmogenic right ventricular dysplasia 10. Also called: ARRHYTHMOGENIC RIGHT VENTRICULAR DYSPLASIA, FAMILIAL, 10; Arrhythmogenic Right Ventricular Dysplasia/Cardiomyopathy10; Arrhythmogenic right ventricular dysplasia/cardiomyopathy, type 10. Identifiers: MedGen C1857777, MONDO:0012434, OMIM 610193.

Allele frequency attached by ClinVar (database versions not stated): ESP Exome Variant Server 0.00008; gnomAD 0.00030 and 0.00031; 1000 Genomes Project 30x 0.00031; TOPMed 0.00033; 1000 Genomes Project 0.00040.
gnomAD v4.1: 116 of 1,613,082 alleles (0.0072%); highest among the groups gnomAD compares: African/African-American, 0.12%; no homozygotes.

Submissions (4):

Labcorp Genetics (formerly Invitae), Labcorp
Classification: Likely benign for Arrhythmogenic right ventricular dysplasia 10. Last evaluated: 2026-01-28. Review status: criteria provided, single submitter. Criteria: Invitae Variant Classification Sherloc (09022015). Collection method: clinical testing. Allele origin: germline.

Blueprint Genetics
Classification: Likely benign. Last evaluated: 2022-04-01. Review status: criteria provided, single submitter. Criteria: ACMG Guidelines, 2015. Collection method: clinical testing. Allele origin: germline.

Women's Health and Genetics/Laboratory Corporation of America, LabCorp
Classification: Benign. Last evaluated: 2021-05-03. Review status: criteria provided, single submitter. Criteria: LabCorp Variant Classification Summary - May 2015. Collection method: clinical testing. Allele origin: germline.
Comment: Variant summary: DSG2 c.1280+18G>C alters a non-conserved nucleotide located close to a canonical splice site and therefore could affect mRNA splicing, leading to a significantly altered protein sequence. 4/4 computational tools predict no significant impact on normal splicing. However, these predictions have yet to be confirmed by functional studies. The variant allele was found at a frequency of 5.2e-05 in 247922 control chromosomes, predominantly at a frequency of 0.00071 within the African or African-American subpopulation in the gnomAD database. The observed variant frequency within African or African-American control individuals in the gnomAD database is approximately 2.8- fold the estimated maximal expected allele frequency for a pathogenic variant in DSG2 causing Arrhythmogenic Right Ventricular Dysplasia/Cardiomyopathy phenotype (0.00025), strongly suggesting that the variant is a benign polymorphism found primarily in populations of African or African-American origin. To our knowledge, no occurrence of c.1280+18G>C in individuals affected with Arrhythmogenic Right Ventricular Dysplasia/Cardiomyopathy and no experimental evidence demonstrating its impact on protein function have been reported. One other clinical diagnostic laboratory has submitted clinical-significance assessments for this variant to ClinVar after 2014 without evidence for independent evaluation, citing the variant as likely benign. Based on the evidence outlined above, the variant was classified as benign.

GeneDx
Classification: Likely benign. Last evaluated: 2017-09-25. Review status: criteria provided, single submitter. Criteria: GeneDx Variant Classification (06012015). Collection method: clinical testing. Allele origin: germline. Affected: yes.
Comment: This variant is considered likely benign or benign based on one or more of the following criteria: it is a conservative change, it occurs at a poorly conserved position in the protein, it is predicted to be benign by multiple in silico algorithms, and/or has population frequency not consistent with disease.

NM_001943.5(DSG2):c.1280+18G>C

Gene: DSG2 (desmoglein 2; plus strand). Cytogenetic location: 18q12.1.
Variant type: single nucleotide variant.
Coding change: c.1280+18G>C on transcript NM_001943.5 (MANE Select); 18 bases into the intron after coding-DNA position 1280, G replaced by C.
Molecular consequence: intron variant.
Genome position (GRCh38, 1-based): chr18:31,531,270, G>C. VCF-style: chr18-31531270-G-C. GRCh37 (hg19) VCF-style: chr18-29111233-G-C.
Other names: c.1280+18G>C (LRG_397t1).
Identifiers: ClinVar variation 387690 (VCV000387690.11), dbSNP rs141175168, ClinGen allele CA041859.